The following is an entry in ClinVar:

NM_003921.5(BCL10):c.395A>G (p.Asn132Ser)

Gene: BCL10 (BCL10 immune signaling adaptor; minus strand). Cytogenetic location: 1p22.3.
Variant type: single nucleotide variant.
Coding change: c.395A>G on transcript NM_003921.5 (MANE Select); coding-DNA position 395, A replaced by G.
Protein change: p.Asn132Ser; replaces asparagine 132 with serine.
Molecular consequence: missense variant.
Genome position (GRCh38, 1-based): chr1:85,267,934, T>C on the plus strand (A>G on the coding strand, the complement: BCL10 is on the minus strand). VCF-style: chr1-85267934-T-C. GRCh37 (hg19) VCF-style: chr1-85733617-T-C.
Other names: c.362A>G, p.Asn121Ser (NM_001320715.2); short protein forms N121S, N132S.
Identifiers: ClinVar variation 1399484 (VCV001399484.5), dbSNP rs748039228, ClinGen allele CA929750.

ClinVar aggregate classification (germline): Uncertain significance (1 of 4 stars; one submission).

Conditions:
Immunodeficiency 37 (IMD37). Identifiers: MedGen C4015195, MONDO:0014491, OMIM 616098.

Allele frequency attached by ClinVar (database versions not stated): gnomAD exomes below 0.00001 and 0.00002; ExAC 0.00001; gnomAD 0.00002; TOPMed 0.00002.

Submission:

Labcorp Genetics (formerly Invitae), Labcorp
Classification: Uncertain significance for Immunodeficiency 37. Last evaluated: 2022-06-13. Review status: criteria provided, single submitter. Criteria: Invitae Variant Classification Sherloc (09022015). Collection method: clinical testing. Allele origin: germline.
Comment: This sequence change replaces asparagine, which is neutral and polar, with serine, which is neutral and polar, at codon 132 of the BCL10 protein (p.Asn132Ser). This variant is present in population databases (rs748039228, gnomAD 0.006%). This variant has not been reported in the literature in individuals affected with BCL10-related conditions. Algorithms developed to predict the effect of missense changes on protein structure and function output the following: SIFT: "Tolerated"; PolyPhen-2: "Benign"; Align-GVGD: "Class C0". The serine amino acid residue is found in multiple mammalian species, which suggests that this missense change does not adversely affect protein function. In summary, the available evidence is currently insufficient to determine the role of this variant in disease. Therefore, it has been classified as a Variant of Uncertain Significance.